The following is an entry in ClinVar:

NM_015909.4(NBAS):c.1888C>T (p.Pro630Ser)

Gene: NBAS (NBAS subunit of NRZ tethering complex; minus strand). Cytogenetic location: 2p24.3.
Variant type: single nucleotide variant.
Coding change: c.1888C>T on transcript NM_015909.4 (MANE Select); coding-DNA position 1888, C replaced by T.
Protein change: p.Pro630Ser; replaces proline 630 with serine.
Molecular consequence: missense variant. On other transcripts: non-coding transcript variant (1).
Genome position (GRCh38, 1-based): chr2:15,467,794, G>A on the plus strand (C>T on the coding strand, the complement: NBAS is on the minus strand). VCF-style: chr2-15467794-G-A. GRCh37 (hg19) VCF-style: chr2-15607918-G-A.
Other names: short protein forms P630S.
Identifiers: ClinVar variation 1971714 (VCV001971714.5), dbSNP rs1172376871, ClinGen allele CA345883224.

ClinVar aggregate classification (germline): Uncertain significance (1 of 4 stars; one submission).

gnomAD v4.1: 1 of 1,589,426 alleles (0.000063%); highest among the groups gnomAD compares: Non-Finnish European, 0.000086%; no homozygotes.

Submission:

Labcorp Genetics (formerly Invitae), Labcorp
Classification: Uncertain significance. Last evaluated: 2022-05-03. Review status: criteria provided, single submitter. Criteria: Invitae Variant Classification Sherloc (09022015). Collection method: clinical testing. Allele origin: germline.
Comment: In summary, the available evidence is currently insufficient to determine the role of this variant in disease. Therefore, it has been classified as a Variant of Uncertain Significance. Algorithms developed to predict the effect of missense changes on protein structure and function are either unavailable or do not agree on the potential impact of this missense change (SIFT: "Deleterious"; PolyPhen-2: "Benign"; Align-GVGD: "Class C65"). This variant has not been reported in the literature in individuals affected with NBAS-related conditions. This variant is not present in population databases (gnomAD no frequency). This sequence change replaces proline, which is neutral and non-polar, with serine, which is neutral and polar, at codon 630 of the NBAS protein (p.Pro630Ser).